The following is an entry in ClinVar:

NM_001735.3(C5):c.146C>G (p.Ala49Gly)

Gene: C5 (complement C5; minus strand). Cytogenetic location: 9q33.2.
Variant type: single nucleotide variant.
Coding change: c.146C>G on transcript NM_001735.3 (MANE Select); coding-DNA position 146, C replaced by G.
Protein change: p.Ala49Gly; replaces alanine 49 with glycine.
Molecular consequence: missense variant.
Genome position (GRCh38, 1-based): chr9:121,046,303, G>C on the plus strand (C>G on the coding strand, the complement: C5 is on the minus strand). VCF-style: chr9-121046303-G-C. GRCh37 (hg19) VCF-style: chr9-123808581-G-C.
Other names: c.164C>G, p.Ala55Gly (NM_001317163.2); c.146C>G, p.Ala49Gly (NM_001317164.2); short protein forms A49G, A55G.
Identifiers: ClinVar variation 1524034 (VCV001524034.6), dbSNP rs2047627115, ClinGen allele CA374732661.

ClinVar aggregate classification (germline): Uncertain significance (1 of 4 stars; one submission).

Allele frequency attached by ClinVar (database versions not stated): gnomAD exomes below 0.00001.
gnomAD v4.1: 1 of 1,609,392 alleles (0.000062%); highest among the groups gnomAD compares: Non-Finnish European, 0.000085%; no homozygotes.

Submission:

Labcorp Genetics (formerly Invitae), Labcorp
Classification: Uncertain significance. Last evaluated: 2021-07-06. Review status: criteria provided, single submitter. Criteria: Invitae Variant Classification Sherloc (09022015). Collection method: clinical testing. Allele origin: germline.
Comment: In summary, the available evidence is currently insufficient to determine the role of this variant in disease. Therefore, it has been classified as a Variant of Uncertain Significance. Algorithms developed to predict the effect of missense changes on protein structure and function (SIFT, PolyPhen-2, Align-GVGD) all suggest that this variant is likely to be tolerated. This variant has not been reported in the literature in individuals affected with C5-related conditions. This variant is not present in population databases (ExAC no frequency). This sequence change replaces alanine with glycine at codon 49 of the C5 protein (p.Ala49Gly). The alanine residue is weakly conserved and there is a small physicochemical difference between alanine and glycine.